The following is an entry in ClinVar:

NM_145698.5(ACBD5):c.182-3C>T

Gene: ACBD5 (acyl-CoA binding domain containing 5; minus strand). Cytogenetic location: 10p12.1.
Variant type: single nucleotide variant.
Coding change: c.182-3C>T on transcript NM_145698.5 (MANE Select); 3 bases into the intron before coding-DNA position 182, C replaced by T.
Molecular consequence: intron variant.
Genome position (GRCh38, 1-based): chr10:27,235,215, G>A on the plus strand (C>T on the coding strand, the complement: ACBD5 is on the minus strand). VCF-style: chr10-27235215-G-A. GRCh37 (hg19) VCF-style: chr10-27524144-G-A.
Other names: c.182-3C>T (NM_001352570.1, NM_001352588.1, NM_001352573.1 and 2 more transcripts); c.-25-3395C>T (NM_001301253.2, NM_001301251.2, NM_001352583.1 and 4 more transcripts); c.77-3C>T (NM_001352580.2, NM_001352577.2, NM_001352575.2 and 6 more transcripts); c.203-3C>T (NM_001352572.1, NM_001352568.1); c.176-3C>T (NM_001352587.1, NM_001271512.3, NM_001352586.1 and 1 more transcripts).
Identifiers: ClinVar variation 1944174 (VCV001944174.5), dbSNP rs769658481, ClinGen allele CA5451016.
Genomic context (GRCh38, chr10:27,235,215, plus strand): 5'-GCCTGCTTATAGAAGCTATAAAATTTAAGCATCATTTCATTTGTTGGCTGGAATGAACCT[G>A]TTGGAAACACACATTAAATACAAATCACCTGGGGAATACAACTGATAATCAGGTTATAAA-3'

ClinVar aggregate classification (germline): Uncertain significance (1 of 4 stars; one submission).

Allele frequency attached by ClinVar (database versions not stated): gnomAD exomes below 0.00001; ExAC 0.00002.
gnomAD v4.1: 6 of 1,613,818 alleles (0.00037%); highest among the groups gnomAD compares: Non-Finnish European, 0.00042%; no homozygotes.

Submission:

Labcorp Genetics (formerly Invitae), Labcorp
Classification: Uncertain significance. Last evaluated: 2022-02-23. Review status: criteria provided, single submitter. Criteria: Invitae Variant Classification Sherloc (09022015). Collection method: clinical testing. Allele origin: germline.
Comment: This variant is present in population databases (rs769658481, gnomAD 0.003%). This sequence change falls in intron 2 of the ACBD5 gene. It does not directly change the encoded amino acid sequence of the ACBD5 protein. It affects a nucleotide within the consensus splice site. This variant has not been reported in the literature in individuals affected with ACBD5-related conditions. In summary, the available evidence is currently insufficient to determine the role of this variant in disease. Therefore, it has been classified as a Variant of Uncertain Significance. Variants that disrupt the consensus splice site are a relatively common cause of aberrant splicing (PMID: 17576681, 9536098). Algorithms developed to predict the effect of sequence changes on RNA splicing suggest that this variant may create or strengthen a splice site.

Literature cited by the submitters: PubMed 17576681; PubMed 9536098.